The following is an entry in ClinVar:

NM_005427.4(TP73):c.1876A>G (p.Ile626Val)

Gene: TP73 (tumor protein p73; plus strand). Cytogenetic location: 1p36.32.
Variant type: single nucleotide variant.
Coding change: c.1876A>G on transcript NM_005427.4 (MANE Select); coding-DNA position 1876, A replaced by G.
Protein change: p.Ile626Val; replaces isoleucine 626 with valine.
Molecular consequence: missense variant. On other transcripts: 3 prime UTR variant (6).
Genome position (GRCh38, 1-based): chr1:3,733,044, A>G. VCF-style: chr1-3733044-A-G. GRCh37 (hg19) VCF-style: chr1-3649608-A-G.
Other names: c.1729A>G, p.Ile577Val (NM_001126240.3); c.*282A>G (NM_001126241.3, NM_001204184.2, NM_001204186.2 and 1 more transcripts); c.*299A>G (NM_001126242.3, NM_001204185.2); c.1633A>G, p.Ile545Val (NM_001204187.2); c.1588A>G, p.Ile530Val (NM_001204188.2); c.1486A>G, p.Ile496Val (NM_001204190.2); c.1441A>G, p.Ile481Val (NM_001204191.2); c.1663A>G, p.Ile555Val (NM_001204192.2); short protein forms I481V, I496V, I530V, I545V, I555V, I577V, I626V.
Identifiers: ClinVar variation 3056842 (VCV003056842.2), dbSNP rs113253012, ClinGen allele CA549694.
Genomic context (GRCh38, chr1:3,733,044, plus strand): 5'-CCTGACGAGTGGGCGGACTTCGGCTTCGACCTGCCCGACTGCAAGGCCCGCAAGCAGCCC[A>G]TCAAGGAGGAGTTCACGGAGGCCGAGATCCACTGAGGGCCTCGCCTGGCTGCAGCCTGCG-3'
Protein context (NP_005418.1, residues 616-636): LPDCKARKQP[Ile626Val]KEEFTEAEIH

ClinVar aggregate classification (germline): Likely benign (0 of 4 stars; one submission).

Conditions:
TP73-related disorder. Also called: TP73-related condition.

Allele frequency attached by ClinVar (database versions not stated): 1000 Genomes Project 30x 0.00016; 1000 Genomes Project 0.00020; ExAC 0.00057; ESP Exome Variant Server 0.00064; gnomAD 0.00074; TOPMed 0.00080; gnomAD exomes 0.00112.
gnomAD v4.1: 1,642 of 1,542,664 alleles (0.11%); highest among the groups gnomAD compares: Non-Finnish European, 0.14%; 2 homozygotes.

Submission:

PreventionGenetics, part of Exact Sciences
Classification: Likely benign for TP73-related condition. Last evaluated: 2023-05-15. Review status: no assertion criteria provided. Collection method: clinical testing. Allele origin: germline.
Comment: This variant is classified as likely benign based on ACMG/AMP sequence variant interpretation guidelines (Richards et al. 2015 PMID: 25741868, with internal and published modifications).